The following is an entry in ClinVar:

NM_016247.4(IMPG2):c.1484A>C (p.Gln495Pro)

Gene: IMPG2 (interphotoreceptor matrix proteoglycan 2; minus strand). Cytogenetic location: 3q12.3.
Variant type: single nucleotide variant.
Coding change: c.1484A>C on transcript NM_016247.4 (MANE Select); coding-DNA position 1484, A replaced by C.
Protein change: p.Gln495Pro; replaces glutamine 495 with proline.
Molecular consequence: missense variant.
Genome position (GRCh38, 1-based): chr3:101,245,861, T>G on the plus strand (A>C on the coding strand, the complement: IMPG2 is on the minus strand). VCF-style: chr3-101245861-T-G. GRCh37 (hg19) VCF-style: chr3-100964705-T-G.
Other names: short protein forms Q495P.
Identifiers: ClinVar variation 2444832 (VCV002444832.1), dbSNP rs2508947332, ClinGen allele CA353862241.

ClinVar aggregate classification (germline): Uncertain significance (1 of 4 stars; one submission).

Submission:

GeneDx
Classification: Uncertain significance. Last evaluated: 2022-07-06. Review status: criteria provided, single submitter. Criteria: GeneDx Variant Classification Process June 2021. Collection method: clinical testing. Allele origin: germline. Affected: yes.
Comment: Not observed at significant frequency in large population cohorts (gnomAD); In silico analysis supports that this missense variant does not alter protein structure/function; Has not been previously published as pathogenic or benign to our knowledge